The following is an entry in ClinVar:

NM_016148.5(SHANK1):c.1367C>G (p.Ala456Gly)

Gene: SHANK1 (SH3 and multiple ankyrin repeat domains 1; minus strand). Cytogenetic location: 19q13.33.
Variant type: single nucleotide variant.
Coding change: c.1367C>G on transcript NM_016148.5 (MANE Select); coding-DNA position 1367, C replaced by G.
Protein change: p.Ala456Gly; replaces alanine 456 with glycine.
Molecular consequence: missense variant.
Genome position (GRCh38, 1-based): chr19:50,703,686, G>C on the plus strand (C>G on the coding strand, the complement: SHANK1 is on the minus strand). VCF-style: chr19-50703686-G-C. GRCh37 (hg19) VCF-style: chr19-51206943-G-C.
Other names: short protein forms A456G.
Identifiers: ClinVar variation 3363923 (VCV003363923.1).
Genomic context (GRCh38, chr19:50,703,686, plus strand): 5'-GCCGAGGGCTGCGACTGGCCCTGGGACCCTGAGGTAGGGCCAGGGGCCCCAGAGGACGCG[G>C]CCCCCGGGGCGGAGAACACCATCCAGTCGGGCAGCGCCATGCTGGTGTCACTGTTGGCCC-3'
Protein context (NP_057232.2, residues 446-466): PDWMVFSAPG[Ala456Gly]ASSGAPGPTS

ClinVar aggregate classification (germline): Uncertain significance (1 of 4 stars; one submission).

Submission:

GeneDx
Classification: Uncertain significance. Last evaluated: 2023-11-09. Review status: criteria provided, single submitter. Criteria: GeneDx Variant Classification Process June 2021. Collection method: clinical testing. Allele origin: germline. Affected: yes.
Comment: Not observed at significant frequency in large population cohorts (gnomAD); In silico analysis supports that this missense variant does not alter protein structure/function; Has not been previously published as pathogenic or benign to our knowledge